The following is an entry in ClinVar:

NM_001374828.1(ARID1B):c.6711A>G (p.Thr2237=)

Gene: ARID1B (AT-rich interaction domain 1B; plus strand). Cytogenetic location: 6q25.3.
Variant type: single nucleotide variant.
Coding change: c.6711A>G on transcript NM_001374828.1 (MANE Select); coding-DNA position 6711, A replaced by G.
Protein change: p.Thr2237=; no amino-acid change (threonine 2237 retained).
Molecular consequence: synonymous variant.
Genome position (GRCh38, 1-based): chr6:157,207,483, A>G. VCF-style: chr6-157207483-A-G. GRCh37 (hg19) VCF-style: chr6-157528617-A-G.
Other names: c.6342A>G, p.Thr2114= (NM_020732.3); c.4212A>G, p.Thr1404= (NM_001363725.2); c.6591A>G, p.Thr2197= (NM_001371656.1, NM_001374820.1); c.6552A>G, p.Thr2184= (NM_017519.3).
Identifiers: ClinVar variation 589471 (VCV000589471.13), dbSNP rs147679171, ClinGen allele CA4068051.
Genomic context (GRCh38, chr6:157,207,483, plus strand): 5'-TAATGTGGACCTGATCTTGGCCACTCCTCCATTTAGTCGTCAGGAGAAATTCTATGCTAC[A>G]TTAGTTAGGTACGTTGGGGATCGCAAAAACCCAGTCTGTCGAGAAATGTCCATGGCGCTT-3'
Protein context (NP_001361757.1, residues 2227-2247): PFSRQEKFYA[Thr2237=]LVRYVGDRKN

ClinVar aggregate classification (germline): Likely benign. Review status: criteria provided, multiple submitters, no conflicts (2 of 4 stars). 4 submissions from 4 submitters: Likely benign (3). 1 of the submissions does not count toward it. Last evaluated 2025-08-20.

Conditions:
ARID1B-Related Disorder. Identifiers: MedGen CN381337.
Inborn genetic diseases. Identifiers: MedGen C0950123, MeSH D030342.

Allele frequency attached by ClinVar (database versions not stated): gnomAD 0.00009 and 0.00010; ExAC 0.00010; gnomAD exomes 0.00010 and 0.00041; TOPMed 0.00011; ESP Exome Variant Server 0.00031.
gnomAD v4.1: 592 of 1,614,034 alleles (0.037%); highest among the groups gnomAD compares: Non-Finnish European, 0.05%; no homozygotes.

Submissions (4):

Labcorp Genetics (formerly Invitae), Labcorp
Classification: Likely benign. Last evaluated: 2025-08-20. Review status: criteria provided, single submitter. Criteria: Invitae Variant Classification Sherloc (09022015). Collection method: clinical testing. Allele origin: germline.

Blueprint Genetics
Classification: Likely benign. Last evaluated: 2023-12-20. Review status: criteria provided, single submitter. Criteria: ACMG Guidelines, 2015. Collection method: clinical testing. Allele origin: germline.

Ambry Genetics
Classification: Likely benign for Inborn genetic diseases. Last evaluated: 2016-12-12. Review status: criteria provided, single submitter. Criteria: Ambry Variant Classification Scheme 2023. Collection method: clinical testing. Allele origin: germline.

PreventionGenetics, part of Exact Sciences
Classification: Likely benign for ARID1B-related condition. Last evaluated: 2024-02-16. Review status: no assertion criteria provided. Collection method: clinical testing. Allele origin: germline. Not counted in ClinVar's aggregate classification.
Comment: This variant is classified as likely benign based on ACMG/AMP sequence variant interpretation guidelines (Richards et al. 2015 PMID: 25741868, with internal and published modifications).